The following is an entry in ClinVar:

NC_000009.11:g.(?_136218768)_(141016451_?)dup

Genes: ABCA2 (ATP binding cassette subfamily A member 2; minus strand), ADAMTS13 (ADAM metallopeptidase with thrombospondin type 1 motif 13; plus strand), BRD3 (bromodomain containing 3; minus strand), ADAMTSL2 (ADAMTS like 2; plus strand), AGPAT2 (1-acylglycerol-3-phosphate O-acyltransferase 2; minus strand) and 107 more. Cytogenetic location: 9q34.2-34.3.
Variant type: Duplication.
Identifiers: ClinVar variation 2426886 (VCV002426886.4).

ClinVar aggregate classification (germline): Uncertain significance (1 of 4 stars; one submission).

Conditions:
Kleefstra syndrome 1 (KLEFS1). Identifiers: Orphanet 261494, MedGen C0795833, MONDO:0027407, OMIM 610253.

Submission:

Labcorp Genetics (formerly Invitae), Labcorp
Classification: Uncertain significance for Kleefstra syndrome 1. Last evaluated: 2022-08-08. Review status: criteria provided, single submitter. Criteria: Invitae Variant Classification Sherloc (09022015). Collection method: clinical testing. Allele origin: germline.
Comment: A copy number gain of the genomic region encompassing the full coding sequence of the EHMT1 gene has been identified. The boundaries of this event are unknown as they extend beyond the assayed region for this gene and therefore may encompass additional genes. As the precise location of this event is unknown, it may be in tandem or it may be located elsewhere in the genome. Isolated whole-gene copy number gains of EHMT1 have not been reported in the literature. However, larger copy number events that include this gene have been reported (PMID: 22318994, 22890305, 31209758). In summary, the available evidence is currently insufficient to determine the role of this variant in disease. Therefore, it has been classified as a Variant of Uncertain Significance.

Literature cited by the submitters: PubMed 22318994; PubMed 22890305; PubMed 31209758.